The following is an entry in ClinVar:

ClinVar aggregate classification (germline): Uncertain significance (1 of 4 stars; one submission).

gnomAD v4.1: 4 of 1,608,820 alleles (0.00025%); highest among the groups gnomAD compares: African/African-American, 0.004%; no homozygotes.

Submission:

Mayo Clinic Laboratories, Mayo Clinic
Classification: Uncertain significance. Last evaluated: 2025-07-30. Review status: criteria provided, single submitter. Criteria: ACMG Guidelines, 2015. Collection method: clinical testing. Allele origin: germline. Observed: 1 variant allele.
Comment: BP4_moderate

NM_181882.3(PRX):c.3758G>A (p.Arg1253Lys)

Gene: PRX (periaxin; minus strand). Cytogenetic location: 19q13.2.
Variant type: single nucleotide variant.
Coding change: c.3758G>A on transcript NM_181882.3 (MANE Select); coding-DNA position 3758, G replaced by A.
Protein change: p.Arg1253Lys; replaces arginine 1253 with lysine.
Molecular consequence: missense variant. On other transcripts: 3 prime UTR variant (1).
Genome position (GRCh38, 1-based): chr19:40,394,594, C>T on the plus strand (G>A on the coding strand, the complement: PRX is on the minus strand). VCF-style: chr19-40394594-C-T. GRCh37 (hg19) VCF-style: chr19-40900501-C-T.
Other names: p.Arg1253Lys; c.4043G>A, p.Arg1348Lys (NM_001411127.1); c.*3963G>A (NM_020956.2); short protein forms R1348K, R1253K.
Identifiers: ClinVar variation 4542342 (VCV004542342.1).
Genomic context (GRCh38, chr19:40,394,594, plus strand): 5'-CAGAAGGTACGCTCGGCCCCTGGGGGCTGCTCCTCAGCACCCTCGCCCCCCACCCTAGCT[C>T]TGGCCCCCAGTGTGGGCAACTTCAGCCTCAGCCCACCCTCGCCTGTGGCCGCCTCGCCCG-3'
Protein context (NP_870998.2, residues 1243-1263): LRLKLPTLGA[Arg1253Lys]ARVGGEGAEE